The following is an entry in ClinVar:

NM_000179.3(MSH6):c.488G>C (p.Gly163Ala)

Gene: MSH6 (mutS homolog 6; plus strand). Cytogenetic location: 2p16.3.
Variant type: single nucleotide variant.
Coding change: c.488G>C on transcript NM_000179.3 (MANE Select); coding-DNA position 488, G replaced by C.
Protein change: p.Gly163Ala; replaces glycine 163 with alanine.
Molecular consequence: missense variant. On other transcripts: intron variant (8), 5 prime UTR variant (5), non-coding transcript variant (5).
Genome position (GRCh38, 1-based): chr2:47,795,924, G>C. VCF-style: chr2-47795924-G-C. GRCh37 (hg19) VCF-style: chr2-48023063-G-C.
Other names: c.-279-2687G>C (NM_001406829.1, NM_001406823.1, NM_001406811.1 and 4 more transcripts); c.-415G>C (NM_001281494.2); c.584G>C, p.Gly195Ala (NM_001406795.1, NM_001406802.1); c.488G>C, p.Gly163Ala (NM_001406796.1, NM_001406798.1, NM_001406800.1 and 5 more transcripts); c.191G>C, p.Gly64Ala (NM_001406797.1, NM_001406801.1, NM_001406805.1 and 10 more transcripts); c.-38G>C (NM_001406799.1, NM_001406806.1, NM_001406807.1); c.410G>C, p.Gly137Ala (NM_001406804.1); c.494G>C, p.Gly165Ala (NM_001406813.1); and 3 more; short protein forms G165A, G195A, G64A, G107A, G137A, G163A.
Identifiers: ClinVar variation 3633909 (VCV003633909.2).
Genomic context (GRCh38, chr2:47,795,924, plus strand): 5'-CTTATTGTTTATAAATACATTTCTTTCTAGGTTCAAAATCAAAGGAAGCCCAGAAGGGAG[G>C]TCATTTTTACAGTGCAAAGCCTGAAATACTGAGAGCAATGCAACGTGCAGATGAAGCCTT-3'
Protein context (NP_000170.1, residues 153-173): GSKSKEAQKG[Gly163Ala]HFYSAKPEIL

ClinVar aggregate classification (germline): Uncertain significance (1 of 4 stars; one submission).

Conditions:
Hereditary nonpolyposis colorectal neoplasms. Identifiers: MedGen C0009405, MeSH D003123.

Submission:

Labcorp Genetics (formerly Invitae), Labcorp
Classification: Uncertain significance for Hereditary nonpolyposis colorectal neoplasms. Last evaluated: 2024-04-07. Review status: criteria provided, single submitter. Criteria: Invitae Variant Classification Sherloc (09022015). Collection method: clinical testing. Allele origin: germline.
Comment: This sequence change replaces glycine, which is neutral and non-polar, with alanine, which is neutral and non-polar, at codon 163 of the MSH6 protein (p.Gly163Ala). This variant is not present in population databases (gnomAD no frequency). This variant has not been reported in the literature in individuals affected with MSH6-related conditions. Advanced modeling of protein sequence and biophysical properties (such as structural, functional, and spatial information, amino acid conservation, physicochemical variation, residue mobility, and thermodynamic stability) performed at Invitae indicates that this missense variant is not expected to disrupt MSH6 protein function with a negative predictive value of 95%. In summary, the available evidence is currently insufficient to determine the role of this variant in disease. Therefore, it has been classified as a Variant of Uncertain Significance.